The following is an entry in ClinVar:

NM_017890.5(VPS13B):c.4237TTG[1] (p.Leu1414del)

Gene: VPS13B (vacuolar protein sorting 13 homolog B; plus strand). Cytogenetic location: 8q22.2.
Variant type: Microsatellite.
Coding change: c.4237TTG[1] on transcript NM_017890.5 (MANE Plus Clinical); one copy of the 3-base unit TTG starting at c.4237; the reference has two copies in a row; one copy, 3 bases deleted.
Protein change: p.Leu1414del; deletes leucine 1414.
Molecular consequence: inframe deletion. On other transcripts: inframe indel (2), intron variant (1).
Genome position (GRCh38, 1-based): chr8:99,507,852-99,507,854, TTG deleted; deleting any 3 consecutive bases within chr8:99,507,849-99,507,854 gives the same sequence; the position shown is the placement nearest the transcript's 3' end. VCF-style (leftmost placement, unchanged base first): chr8-99507848-CTTG-C. GRCh37 (hg19) VCF-style: chr8-100520076-CTTG-C.
Other names: c.4237_4239TTG[1], p.Leu1414del (NM_017890.4); c.4224+649_4224+651del (NM_152564.5); c.4240_4242delTTG (NM_017890.4); short protein forms L1414del.
Identifiers: ClinVar variation 5000571 (VCV005000571.1).

ClinVar aggregate classification (germline): Uncertain significance (1 of 4 stars; one submission).

Conditions:
VPS13B-related disorder. Also called: VPS13B-related condition.

Submission:

PreventionGenetics, part of Exact Sciences
Classification: Uncertain significance for VPS13B-related condition. Last evaluated: 2025-03-27. Review status: criteria provided, single submitter. Criteria: ACMG Guidelines, 2015. Collection method: clinical testing. Allele origin: germline.
Comment: The VPS13B c.4240_4242delTTG variant is predicted to result in an in-frame deletion (p.Leu1414del). To our knowledge, this variant has not been reported in the literature or in a large population database (gnomAD), indicating this variant is rare. At this time, the clinical significance of this variant is uncertain due to the absence of conclusive functional and genetic evidence.